The following is an entry in ClinVar:

ClinVar aggregate classification (germline): Benign/Likely benign. Review status: criteria provided, multiple submitters, no conflicts (2 of 4 stars). 7 submissions from 6 submitters: Benign (1); Likely benign (5). 1 of the submissions does not count toward it. Last evaluated 2026-01-14.

Conditions:
Fibromatosis, gingival, 1 (GINGF1). Identifiers: Orphanet 2024, MedGen C4551558, MONDO:0007609, OMIM 135300.
Noonan syndrome 4 (NS4). Also called: NOONAN SYNDROME WITH PIGMENTED VILLONODULAR SYNOVITIS; SOS1-Related Noonan Syndrome. Identifiers: Orphanet 648, MedGen C1853120, MONDO:0012547, OMIM 610733.
SOS1-related disorder. Also called: SOS1-related condition.
RASopathy. Also called: rasopathies; Noonan spectrum disorder. Identifiers: Orphanet 536391, MedGen C5555857, MONDO:0021060.

Submissions (7):

Labcorp Genetics (formerly Invitae), Labcorp
Classification: Likely benign for RASopathy. Last evaluated: 2026-01-14. Review status: criteria provided, single submitter. Criteria: Invitae Variant Classification Sherloc (09022015). Collection method: clinical testing. Allele origin: germline.

Blueprint Genetics
Classification: Likely benign. Last evaluated: 2024-05-03. Review status: criteria provided, single submitter. Criteria: ACMG Guidelines, 2015. Collection method: clinical testing. Allele origin: germline.

Fulgent Genetics
Classification: Likely benign for Fibromatosis, gingival, 1; Noonan syndrome 4. Last evaluated: 2022-01-06. Review status: criteria provided, single submitter. Criteria: ACMG Guidelines, 2015. Collection method: clinical testing. Allele origin: unknown.

GeneDx
Classification: Benign. Last evaluated: 2021-01-28. Review status: criteria provided, single submitter. Criteria: GeneDx Variant Classification Process June 2021. Collection method: clinical testing. Allele origin: germline. Affected: yes.

Genome-Nilou Lab
Classification: Likely benign for Noonan syndrome 4. Review status: criteria provided, single submitter. Criteria: ACMG Guidelines, 2015. Collection method: clinical testing. Allele origin: germline.

Genome-Nilou Lab
Classification: Likely benign for Fibromatosis, gingival, 1. Review status: criteria provided, single submitter. Criteria: ACMG Guidelines, 2015. Collection method: clinical testing. Allele origin: germline.

PreventionGenetics, part of Exact Sciences
Classification: Likely benign for SOS1-related condition. Last evaluated: 2021-08-03. Review status: no assertion criteria provided. Collection method: clinical testing. Allele origin: germline. Not counted in ClinVar's aggregate classification.
Comment: This variant is classified as likely benign based on ACMG/AMP sequence variant interpretation guidelines (Richards et al. 2015 PMID: 25741868, with internal and published modifications).

NM_005633.4(SOS1):c.2674-9dup

Gene: SOS1 (SOS Ras/Rac guanine nucleotide exchange factor 1; minus strand). Cytogenetic location: 2p22.1.
Variant type: Duplication.
Coding change: c.2674-9dup on transcript NM_005633.4 (MANE Select); 9 bases into the intron before coding-DNA position 2674, one base duplicated (T; older notation c.2674-9dupT).
Molecular consequence: intron variant.
Genome position (GRCh38, 1-based): chr2:39,006,538, A duplicated on the plus strand (T on the coding strand, the reverse complement: SOS1 is on the minus strand); the first of 8 consecutive A bases (chr2:39,006,538-39,006,545); duplicating any one gives the same sequence. VCF-style (leftmost placement, unchanged base first): chr2-39006537-G-GA. GRCh37 (hg19) VCF-style: chr2-39233678-G-GA.
Other names: c.2674-9dupT (NM_005633.3); c.2653-9dup (NM_001382394.1); c.2674-9dup (NM_001382395.1).
Identifiers: ClinVar variation 510934 (VCV000510934.19), dbSNP rs532594344, ClinGen allele CA1624342.